The following is an entry in ClinVar:

ClinVar aggregate classification (germline): Uncertain significance (1 of 4 stars; one submission).

Allele frequency attached by ClinVar (database versions not stated): TOPMed below 0.00001; ExAC 0.00001; gnomAD 0.00001; gnomAD exomes 0.00001.
gnomAD v4.1: 11 of 1,613,398 alleles (0.00068%); highest among the groups gnomAD compares: Non-Finnish European, 0.00093%; no homozygotes.

Submission:

Labcorp Genetics (formerly Invitae), Labcorp
Classification: Uncertain significance. Last evaluated: 2023-10-17. Review status: criteria provided, single submitter. Criteria: Invitae Variant Classification Sherloc (09022015). Collection method: clinical testing. Allele origin: germline.
Comment: This sequence change falls in intron 9 of the RFWD3 gene. It does not directly change the encoded amino acid sequence of the RFWD3 protein. It affects a nucleotide within the consensus splice site. This variant is not present in population databases (gnomAD no frequency). This variant has not been reported in the literature in individuals affected with RFWD3-related conditions. Variants that disrupt the consensus splice site are a relatively common cause of aberrant splicing (PMID: 17576681, 9536098). Algorithms developed to predict the effect of sequence changes on RNA splicing suggest that this variant is not likely to affect RNA splicing. In summary, the available evidence is currently insufficient to determine the role of this variant in disease. Therefore, it has been classified as a Variant of Uncertain Significance.

Literature cited by the submitters: PubMed 17576681; PubMed 9536098.

NM_018124.4(RFWD3):c.1577+4A>T

Gene: RFWD3 (ring finger and WD repeat domain 3; minus strand). Cytogenetic location: 16q23.1.
Variant type: single nucleotide variant.
Coding change: c.1577+4A>T on transcript NM_018124.4 (MANE Select); 4 bases into the intron after coding-DNA position 1577, A replaced by T.
Molecular consequence: intron variant.
Genome position (GRCh38, 1-based): chr16:74,632,519, T>A on the plus strand (A>T on the coding strand, the complement: RFWD3 is on the minus strand). VCF-style: chr16-74632519-T-A. GRCh37 (hg19) VCF-style: chr16-74666417-T-A.
Other names: c.1577+4A>T (NM_001370534.1, NM_001370536.1, NM_001370535.1); c.743+4A>T (NM_001370539.1, NM_001370537.1, NM_001370543.1 and 2 more transcripts).
Identifiers: ClinVar variation 2751131 (VCV002751131.3), dbSNP rs776928078, ClinGen allele CA8169170.
Genomic context (GRCh38, chr16:74,632,519, plus strand): 5'-TACGAATTCCATGCTACTCAACACCAAAGAGCCCAGTCTCCACCTACTTCCCCAAATCAC[T>A]CACCTGGTCAGTTTAATAGTGTTGTCTAGGGAAGCAGAGAGTAGCAAGCCTCTGAGGTAA-3'